The following is an entry in ClinVar:

ClinVar aggregate classification (germline): Pathogenic. Review status: criteria provided, single submitter (1 of 4 stars). 2 submissions from 2 submitters: Pathogenic (1). 1 of the submissions does not count toward it. Last evaluated 2023-05-18.

Conditions:
KBG syndrome (KBGS). Also called: ANKRD11-Related KBG Syndrome. Identifiers: Orphanet 2332, MedGen C0220687, MONDO:0007846, OMIM 148050.

Submissions (2):

GeneDx
Classification: Pathogenic. Last evaluated: 2023-05-18. Review status: criteria provided, single submitter. Criteria: GeneDx Variant Classification Process June 2021. Collection method: clinical testing. Allele origin: germline. Affected: yes.
Comment: Nonsense variant predicted to result in protein truncation or nonsense mediated decay in a gene for which loss of function is a known mechanism of disease; Not observed at significant frequency in large population cohorts (gnomAD); This variant is associated with the following publications: (PMID: 34006472, 35174959)

Beijing Key Laboratory for Genetic Research of Skeletal Deformity, Peking Union Medical College Hospital
Classification: Pathogenic for KBG syndrome. Last evaluated: 2019-05-31. Review status: no assertion criteria provided. Collection method: research. Allele origin: de novo. Affected: yes. Not counted in ClinVar's aggregate classification.

NM_013275.6(ANKRD11):c.4750G>T (p.Glu1584Ter)

Gene: ANKRD11 (ankyrin repeat domain 11; minus strand). Cytogenetic location: 16q24.3.
Variant type: single nucleotide variant.
Coding change: c.4750G>T on transcript NM_013275.6 (MANE Select); coding-DNA position 4750, G replaced by T.
Protein change: p.Glu1584Ter; replaces glutamic acid 1584 with a stop codon.
Molecular consequence: nonsense.
Genome position (GRCh38, 1-based): chr16:89,281,792, C>A on the plus strand (G>T on the coding strand, the complement: ANKRD11 is on the minus strand). VCF-style: chr16-89281792-C-A. GRCh37 (hg19) VCF-style: chr16-89348200-C-A.
Other names: c.4750G>T, p.Glu1584Ter (NM_001256182.2, NM_001256183.2); short protein forms E1584*.
Identifiers: ClinVar variation 998039 (VCV000998039.2), dbSNP rs2034272227, ClinGen allele CA397156892.
Genomic context (GRCh38, chr16:89,281,792, plus strand): 5'-TCTCCTTGTGCCGCTTGTGGCGCTCCTCGATCTCCAGGTCCTTCTGGGACAGCATCCTCT[C>A]GAAGCTGGTCATCATCAGGTCGCCGTCCCCCAGGAGCTTCTCCCTGGGCCTGGCGTCTTT-3'